The following is an entry in ClinVar:

ClinVar aggregate classification (germline): Uncertain significance. Review status: criteria provided, multiple submitters, no conflicts (2 of 4 stars). 6 submissions from 5 submitters: Uncertain significance (5). 1 of the submissions does not count toward it. Last evaluated 2024-12-12.

Conditions:
Retinitis pigmentosa 39 (RP39). Identifiers: Orphanet 791, MedGen C3151138, MONDO:0013436, OMIM 613809.
Usher syndrome type 2A. Also called: RETINAL DISEASE IN USHER SYNDROME TYPE IIA, MODIFIER OF; USHER SYNDROME, TYPE IIA. Identifiers: Orphanet 231178, Orphanet 886, MedGen C1848634, MONDO:0010169, OMIM 276901.

gnomAD v4.1: 6 of 1,614,054 alleles (0.00037%); highest among the groups gnomAD compares: Admixed American, 0.0033%; no homozygotes.

Submissions (6):

GeneDx
Classification: Uncertain significance. Last evaluated: 2024-12-12. Review status: criteria provided, single submitter. Criteria: GeneDx Variant Classification Process June 2021. Collection method: clinical testing. Allele origin: germline. Affected: yes.
Comment: Reported with a second variant (phase unknown) in a patient with Usher syndrome in published literature; detailed clinical information not provided (PMID: 31816670); Not observed at significant frequency in large population cohorts (gnomAD); In silico analysis indicates that this missense variant does not alter protein structure/function; This variant is associated with the following publications: (PMID: 31816670)

Genome-Nilou Lab
Classification: Uncertain significance for Retinitis pigmentosa 39. Last evaluated: 2023-11-04. Review status: criteria provided, single submitter. Criteria: ACMG Guidelines, 2015. Collection method: clinical testing. Allele origin: germline. Affected: no.

Genome-Nilou Lab
Classification: Uncertain significance for Usher syndrome type 2A. Last evaluated: 2023-11-04. Review status: criteria provided, single submitter. Criteria: ACMG Guidelines, 2015. Collection method: clinical testing. Allele origin: germline. Affected: no.

Labcorp Genetics (formerly Invitae), Labcorp
Classification: Uncertain significance. Last evaluated: 2022-09-21. Review status: criteria provided, single submitter. Criteria: Invitae Variant Classification Sherloc (09022015). Collection method: clinical testing. Allele origin: germline.
Comment: This sequence change replaces valine, which is neutral and non-polar, with phenylalanine, which is neutral and non-polar, at codon 2562 of the USH2A protein (p.Val2562Phe). This variant is present in population databases (rs397518033, gnomAD 0.006%). This variant has not been reported in the literature in individuals affected with USH2A-related conditions. ClinVar contains an entry for this variant (Variation ID: 48588). Advanced modeling of protein sequence and biophysical properties (such as structural, functional, and spatial information, amino acid conservation, physicochemical variation, residue mobility, and thermodynamic stability) performed at Invitae indicates that this missense variant is not expected to disrupt USH2A protein function. In summary, the available evidence is currently insufficient to determine the role of this variant in disease. Therefore, it has been classified as a Variant of Uncertain Significance.

Laboratory for Molecular Medicine, Mass General Brigham Personalized Medicine
Classification: Uncertain significance. Last evaluated: 2011-08-22. Review status: criteria provided, single submitter. Criteria: LMM Criteria. Collection method: clinical testing. Allele origin: germline. Observed: 1 variant allele.
Comment: Variant classified as Uncertain Significance - Favor Benign. The Val2562Phe vari ant in USH2A has not been reported in the literature nor previously identified b y our laboratory. However, another variant occurring at this position, Val2526Al a, has been reported in Usher syndrome probands, several of whom had other expla nations for their Usher syndrome manifestations or did not have a second USH2A a llele, supporting a benign role (Dreyer 2008, Jaijo 2009, LMM- unpublished data) . This residue is not highly conserved in mammals and computational analyses (Po lyPhen2, SIFT, AlignGVGD) do not suggest a high likelihood of impact to the prot ein. However, this information is not predictive enough to rule out pathogenicit y. In summary, the clinical significance of this variant cannot be determined at this time; however based upon the arguments above, we would lean towards a more likely benign role.

Counsyl
Classification: Uncertain significance for Usher syndrome type 2A; Retinitis pigmentosa 39. Last evaluated: 2018-01-24. Review status: no assertion criteria provided. Collection method: clinical testing. Allele origin: unknown. Not counted in ClinVar's aggregate classification.

NM_206933.4(USH2A):c.7684G>T (p.Val2562Phe)

Gene: USH2A (usherin; minus strand). Cytogenetic location: 1q41.
Variant type: single nucleotide variant.
Coding change: c.7684G>T on transcript NM_206933.4 (MANE Select); coding-DNA position 7684, G replaced by T.
Protein change: p.Val2562Phe; replaces valine 2562 with phenylalanine.
Molecular consequence: missense variant.
Genome position (GRCh38, 1-based): chr1:215,888,965, C>A on the plus strand (G>T on the coding strand, the complement: USH2A is on the minus strand). VCF-style: chr1-215888965-C-A. GRCh37 (hg19) VCF-style: chr1-216062307-C-A.
Other names: short protein forms V2562F.
Identifiers: ClinVar variation 48588 (VCV000048588.9), dbSNP rs397518033, ClinGen allele CA143605.